The following is an entry in ClinVar:

NM_014423.4(AFF4):c.3353A>C (p.Lys1118Thr)

Gene: AFF4 (ALF transcription elongation factor 4; minus strand). Cytogenetic location: 5q31.1.
Variant type: single nucleotide variant.
Coding change: c.3353A>C on transcript NM_014423.4 (MANE Select); coding-DNA position 3353, A replaced by C.
Protein change: p.Lys1118Thr; replaces lysine 1118 with threonine.
Molecular consequence: missense variant.
Genome position (GRCh38, 1-based): chr5:132,883,351, T>G on the plus strand (A>C on the coding strand, the complement: AFF4 is on the minus strand). VCF-style: chr5-132883351-T-G. GRCh37 (hg19) VCF-style: chr5-132219043-T-G.
Other names: short protein forms K1118T.
Identifiers: ClinVar variation 4998306 (VCV004998306.1).

ClinVar aggregate classification (germline): Uncertain significance (1 of 4 stars; one submission).

Conditions:
AFF4-related disorder. Also called: AFF4-related condition.

gnomAD v4.1: 1 of 1,614,008 alleles (0.000062%); highest among the groups gnomAD compares: Non-Finnish European, 0.000085%; no homozygotes.

Submission:

PreventionGenetics, part of Exact Sciences
Classification: Uncertain significance for AFF4-related condition. Last evaluated: 2025-03-19. Review status: criteria provided, single submitter. Criteria: ACMG Guidelines, 2015. Collection method: clinical testing. Allele origin: germline.
Comment: The AFF4 c.3353A>C variant is predicted to result in the amino acid substitution p.Lys1118Thr. To our knowledge, this variant has not been reported in the literature or in a large population database (gnomAD), indicating this variant is rare. At this time, the clinical significance of this variant is uncertain due to the absence of conclusive functional and genetic evidence.